The following is an entry in ClinVar:

ClinVar aggregate classification (germline): Likely pathogenic. Review status: criteria provided, multiple submitters, no conflicts (2 of 4 stars). 2 submissions from 2 submitters: Likely pathogenic (2). Last evaluated 2025-12-09.

Conditions:
Hereditary spherocytosis type 1. Also called: Spherocytosis type 1; ANK1-Related Spherocytosis. Identifiers: Orphanet 822, MedGen C2674218, MONDO:0008447, OMIM 182900.

Submissions (2):

Mayo Clinic Laboratories, Mayo Clinic
Classification: Likely pathogenic. Last evaluated: 2025-12-09. Review status: criteria provided, single submitter. Criteria: ACMG Guidelines, 2015. Collection method: clinical testing. Allele origin: germline. Observed: 2 variant alleles.
Comment: PM2_supporting, PVS1

Revvity Omics, Revvity
Classification: Likely pathogenic for Hereditary spherocytosis type 1. Last evaluated: 2023-03-30. Review status: criteria provided, single submitter. Criteria: ACMG Guidelines, 2015. Collection method: clinical testing. Allele origin: germline.

Literature cited by the submitters: PubMed 38069343 (cited by Mayo Clinic Laboratories, Mayo Clinic).

NM_000037.4(ANK1):c.1282dup (p.Ala428fs)

Gene: ANK1 (ankyrin 1; minus strand). Cytogenetic location: 8p11.21.
Variant type: Duplication.
Coding change: c.1282dup on transcript NM_000037.4 (MANE Select); coding-DNA position 1282, one base duplicated (G; older notation c.1282dupG).
Protein change: p.Ala428fs; shifts the reading frame from alanine 428.
Molecular consequence: frameshift variant.
Genome position (GRCh38, 1-based): chr8:41,717,627, C duplicated on the plus strand (G on the coding strand, the reverse complement: ANK1 is on the minus strand); the first of 6 consecutive C bases (chr8:41,717,627-41,717,632); duplicating any one gives the same sequence. VCF-style (leftmost placement, unchanged base first): chr8-41717626-G-GC. GRCh37 (hg19) VCF-style: chr8-41575144-G-GC.
Other names: p.Ala428Glyfs*43; c.1381dup, p.Ala461fs (NM_001142446.2); c.1282dup, p.Ala428fs (NM_020475.3, NM_020476.3, NM_020477.3); short protein forms A428fs, A461fs.
Identifiers: ClinVar variation 2690516 (VCV002690516.3), dbSNP rs769735016, ClinGen allele CA4728671.